The following is an entry in ClinVar:

NM_001130144.3(LTBP3):c.1741A>T (p.Asn581Tyr)

Gene: LTBP3 (latent transforming growth factor beta binding protein 3; minus strand). Cytogenetic location: 11q13.1.
Variant type: single nucleotide variant.
Coding change: c.1741A>T on transcript NM_001130144.3 (MANE Select); coding-DNA position 1741, A replaced by T.
Protein change: p.Asn581Tyr; replaces asparagine 581 with tyrosine.
Molecular consequence: missense variant.
Genome position (GRCh38, 1-based): chr11:65,548,025, T>A on the plus strand (A>T on the coding strand, the complement: LTBP3 is on the minus strand). VCF-style: chr11-65548025-T-A. GRCh37 (hg19) VCF-style: chr11-65315496-T-A.
Other names: c.1390A>T, p.Asn464Tyr (NM_001164266.1); c.1741A>T, p.Asn581Tyr (NM_021070.4); short protein forms N581Y, N464Y.
Identifiers: ClinVar variation 3541079 (VCV003541079.1).

ClinVar aggregate classification (germline): Uncertain significance (1 of 4 stars; one submission).

Conditions:
Inborn genetic diseases. Identifiers: MedGen C0950123, MeSH D030342.

Submission:

Ambry Genetics
Classification: Uncertain significance for Inborn genetic diseases. Last evaluated: 2024-10-04. Review status: criteria provided, single submitter. Criteria: Ambry Variant Classification Scheme 2023. Collection method: clinical testing. Allele origin: germline.
Comment: The p.N581Y variant (also known as c.1741A>T), located in coding exon 12 of the LTBP3 gene, results from an A to T substitution at nucleotide position 1741. The asparagine at codon 581 is replaced by tyrosine, an amino acid with dissimilar properties. This amino acid position is conserved. In addition, the in silico prediction for this alteration is inconclusive. Based on the available evidence, the clinical significance of this variant remains unclear.